The following is an entry in ClinVar:

ClinVar aggregate classification (germline): Uncertain significance (1 of 4 stars; one submission).

Conditions:
Isolated microphthalmia 6. Also called: MICROPHTHALMIA, POSTERIOR NONSYNDROMIC. Identifiers: Orphanet 2542, MedGen C3150757, MONDO:0013293, OMIM 613517.

Allele frequency attached by ClinVar (database versions not stated): gnomAD 0.00001.
gnomAD v4.1: 6 of 1,531,654 alleles (0.00039%); highest among the groups gnomAD compares: East Asian, 0.0025%; no homozygotes.

Submission:

Labcorp Genetics (formerly Invitae), Labcorp
Classification: Uncertain significance for Isolated microphthalmia 6. Last evaluated: 2022-03-26. Review status: criteria provided, single submitter. Criteria: Invitae Variant Classification Sherloc (09022015). Collection method: clinical testing. Allele origin: germline.
Comment: Algorithms developed to predict the effect of missense changes on protein structure and function are either unavailable or do not agree on the potential impact of this missense change (SIFT: "Deleterious"; PolyPhen-2: "Not Available"; Align-GVGD: "Class C0"). In summary, the available evidence is currently insufficient to determine the role of this variant in disease. Therefore, it has been classified as a Variant of Uncertain Significance. This sequence change replaces arginine, which is basic and polar, with tryptophan, which is neutral and slightly polar, at codon 553 of the PRSS56 protein (p.Arg553Trp). This variant is present in population databases (no rsID available, gnomAD 0.004%). This variant has not been reported in the literature in individuals affected with PRSS56-related conditions.

NM_001195129.2(PRSS56):c.1657C>T (p.Arg553Trp)

Gene: PRSS56 (serine protease 56; plus strand). Cytogenetic location: 2q37.1.
Variant type: single nucleotide variant.
Coding change: c.1657C>T on transcript NM_001195129.2 (MANE Select); coding-DNA position 1657, C replaced by T.
Protein change: p.Arg553Trp; replaces arginine 553 with tryptophan.
Molecular consequence: missense variant.
Genome position (GRCh38, 1-based): chr2:232,525,351, C>T. VCF-style: chr2-232525351-C-T. GRCh37 (hg19) VCF-style: chr2-233390061-C-T.
Other names: c.1660C>T, p.Arg554Trp (NM_001369848.1); short protein forms R553W, R554W.
Identifiers: ClinVar variation 2147764 (VCV002147764.4), dbSNP rs1166596814, ClinGen allele CA350994988.